The following is an entry in ClinVar:

ClinVar aggregate classification (germline): Uncertain significance (1 of 4 stars; one submission).

Allele frequency attached by ClinVar (database versions not stated): gnomAD exomes below 0.00001 and 0.00001; ExAC 0.00001; gnomAD 0.00001.
gnomAD v4.1: 5 of 1,614,006 alleles (0.00031%); highest among the groups gnomAD compares: Non-Finnish European, 0.00042%; no homozygotes.

Submission:

Labcorp Genetics (formerly Invitae), Labcorp
Classification: Uncertain significance. Last evaluated: 2021-10-27. Review status: criteria provided, single submitter. Criteria: Invitae Variant Classification Sherloc (09022015). Collection method: clinical testing. Allele origin: germline.
Comment: This variant has not been reported in the literature in individuals affected with GABRB1-related conditions. In summary, the available evidence is currently insufficient to determine the role of this variant in disease. Therefore, it has been classified as a Variant of Uncertain Significance. Advanced modeling of protein sequence and biophysical properties (such as structural, functional, and spatial information, amino acid conservation, physicochemical variation, residue mobility, and thermodynamic stability) performed at Invitae indicates that this missense variant is expected to disrupt GABRB1 protein function. This variant is present in population databases (rs756455030, gnomAD 0.002%). This sequence change replaces aspartic acid, a(n) acidic and polar amino acid, with asparagine, a(n) neutral and polar amino acid, at codon 445 of the GABRB1 protein (p.Asp445Asn).

NM_000812.4(GABRB1):c.1333G>A (p.Asp445Asn)

Gene: GABRB1 (gamma-aminobutyric acid type A receptor subunit beta1; plus strand). Cytogenetic location: 4p12.
Variant type: single nucleotide variant.
Coding change: c.1333G>A on transcript NM_000812.4 (MANE Select); coding-DNA position 1333, G replaced by A.
Protein change: p.Asp445Asn; replaces aspartic acid 445 with asparagine.
Molecular consequence: missense variant.
Genome position (GRCh38, 1-based): chr4:47,425,926, G>A. VCF-style: chr4-47425926-G-A. GRCh37 (hg19) VCF-style: chr4-47427943-G-A.
Other names: short protein forms D445N.
Identifiers: ClinVar variation 1464441 (VCV001464441.6), dbSNP rs756455030, ClinGen allele CA2907810.